The following is an entry in ClinVar:

ClinVar aggregate classification (germline): Benign/Likely benign. Review status: criteria provided, multiple submitters, no conflicts (2 of 4 stars). 2 submissions from 2 submitters: Benign (1); Likely benign (1). Last evaluated 2026-09-01.

Allele frequency attached by ClinVar (database versions not stated): 1000 Genomes Project 30x 0.00297; 1000 Genomes Project 0.00339; TOPMed 0.00689; gnomAD 0.00872 and 0.00909; gnomAD exomes 0.01104.
gnomAD v4.1: 17,318 of 1,609,888 alleles (1.1%); highest among the groups gnomAD compares: Non-Finnish European, 1.3%; 125 homozygotes.

Submissions (2):

CeGaT Center for Human Genetics Tuebingen
Classification: Benign. Last evaluated: 2026-09-01. Review status: criteria provided, single submitter. Criteria: CeGaT Center For Human Genetics Tuebingen Variant Classification Criteria Version 2. Collection method: clinical testing. Allele origin: germline. Affected: yes. Observed: 122 variant alleles.
Comment: MET: BS1, BS2

GeneDx
Classification: Likely benign. Last evaluated: 2018-06-28. Review status: criteria provided, single submitter. Criteria: GeneDx Variant Classification Process June 2021. Collection method: clinical testing. Allele origin: germline. Affected: yes.

NM_000245.4(MET):c.2888-85C>T

Gene: MET (MET proto-oncogene, receptor tyrosine kinase; plus strand). Cytogenetic location: 7q31.2.
Variant type: single nucleotide variant.
Coding change: c.2888-85C>T on transcript NM_000245.4 (MANE Select); 85 bases into the intron before coding-DNA position 2888, C replaced by T.
Molecular consequence: intron variant.
Genome position (GRCh38, 1-based): chr7:116,771,764, C>T. VCF-style: chr7-116771764-C-T. GRCh37 (hg19) VCF-style: chr7-116411818-C-T.
Other names: c.2942-85C>T (NM_001127500.3); c.1598-85C>T (NM_001324402.2).
Identifiers: ClinVar variation 1186897 (VCV001186897.30), dbSNP rs35307741, ClinGen allele CA164904956.
Genomic context (GRCh38, chr7:116,771,764, plus strand): 5'-CATTACAGTTTAAGATTGTCGTCGATTCTTGTGTGCTGTCTTATATGTAGTCCATAAAAC[C>T]CATGAGTTCTGGGCACTGGGTCAAAGTCTCCTGGGGCCCATGATAGCCGTCTTTAACAAG-3'